The following is an entry in ClinVar:

ClinVar aggregate classification (germline): Uncertain significance (1 of 4 stars; one submission).

Conditions:
Peroxisome biogenesis disorder 11A (Zellweger). Also called: Peroxisome biogenesis disorder 11A. Identifiers: Orphanet 912, MedGen C3554000, MONDO:0013949, OMIM 614883.

Submission:

Labcorp Genetics (formerly Invitae), Labcorp
Classification: Uncertain significance for Peroxisome biogenesis disorder 11A (Zellweger). Last evaluated: 2026-01-19. Review status: criteria provided, single submitter. Criteria: Invitae Variant Classification Sherloc (09022015). Collection method: clinical testing. Allele origin: germline.
Comment: This sequence change falls in intron 2 of the PEX13 gene. It does not directly change the encoded amino acid sequence of the PEX13 protein. It affects a nucleotide within the consensus splice site. This variant is not present in population databases (gnomAD no frequency). This variant has not been reported in the literature in individuals affected with PEX13-related conditions. Variants that disrupt the consensus splice site are a relatively common cause of aberrant splicing (PMID: 17576681, 9536098). Algorithms developed to predict the effect of sequence changes on RNA splicing suggest that this variant is not likely to affect RNA splicing. In summary, the available evidence is currently insufficient to determine the role of this variant in disease. Therefore, it has been classified as a Variant of Uncertain Significance.

Literature cited by the submitters: PubMed 17576681; PubMed 9536098.

NM_002618.4(PEX13):c.787+6A>G

Gene: PEX13 (peroxisomal biogenesis factor 13; plus strand). Cytogenetic location: 2p15.
Variant type: single nucleotide variant.
Coding change: c.787+6A>G on transcript NM_002618.4 (MANE Select); 6 bases into the intron after coding-DNA position 787, A replaced by G.
Molecular consequence: intron variant.
Genome position (GRCh38, 1-based): chr2:61,032,119, A>G. VCF-style: chr2-61032119-A-G. GRCh37 (hg19) VCF-style: chr2-61259254-A-G.
Identifiers: ClinVar variation 4704198 (VCV004704198.1).